The following is an entry in ClinVar:

ClinVar aggregate classification (germline): Uncertain significance (1 of 4 stars; one submission).

Allele frequency attached by ClinVar (database versions not stated): TOPMed below 0.00001; gnomAD 0.00001.
gnomAD v4.1: 8 of 1,598,218 alleles (0.0005%); highest among the groups gnomAD compares: African/African-American, 0.0067%; no homozygotes.

Submission:

Labcorp Genetics (formerly Invitae), Labcorp
Classification: Uncertain significance. Last evaluated: 2023-05-13. Review status: criteria provided, single submitter. Criteria: Invitae Variant Classification Sherloc (09022015). Collection method: clinical testing. Allele origin: germline.
Comment: In summary, the available evidence is currently insufficient to determine the role of this variant in disease. Therefore, it has been classified as a Variant of Uncertain Significance. This sequence change replaces threonine, which is neutral and polar, with methionine, which is neutral and non-polar, at codon 2913 of the TRRAP protein (p.Thr2913Met). The frequency data for this variant in the population databases is considered unreliable, as metrics indicate poor data quality at this position in the gnomAD database. This variant has not been reported in the literature in individuals affected with TRRAP-related conditions. Advanced modeling of protein sequence and biophysical properties (such as structural, functional, and spatial information, amino acid conservation, physicochemical variation, residue mobility, and thermodynamic stability) performed at Invitae indicates that this missense variant is not expected to disrupt TRRAP protein function.

NM_001375524.1(TRRAP):c.8813C>T (p.Thr2938Met)

Gene: TRRAP (transformation/transcription domain associated protein; plus strand). Cytogenetic location: 7q22.1.
Variant type: single nucleotide variant.
Coding change: c.8813C>T on transcript NM_001375524.1 (MANE Select); coding-DNA position 8813, C replaced by T.
Protein change: p.Thr2938Met; replaces threonine 2938 with methionine.
Molecular consequence: missense variant.
Genome position (GRCh38, 1-based): chr7:98,981,947, C>T. VCF-style: chr7-98981947-C-T. GRCh37 (hg19) VCF-style: chr7-98579570-C-T.
Other names: c.8792C>T, p.Thr2931Met (NM_001244580.2); c.8738C>T, p.Thr2913Met (NM_003496.4); short protein forms T2913M, T2938M, T2931M.
Identifiers: ClinVar variation 2956112 (VCV002956112.3), dbSNP rs1294404368, ClinGen allele CA368311312.